The following is an entry in ClinVar:

NM_016256.4(NAGPA):c.549G>A (p.Leu183=)

Gene: NAGPA (N-acetylglucosamine-1-phosphodiester alpha-N-acetylglucosaminidase; minus strand). Cytogenetic location: 16p13.3.
Variant type: single nucleotide variant.
Coding change: c.549G>A on transcript NM_016256.4 (MANE Select); coding-DNA position 549, G replaced by A.
Protein change: p.Leu183=; no amino-acid change (leucine 183 retained).
Molecular consequence: synonymous variant.
Genome position (GRCh38, 1-based): chr16:5,031,878, C>T on the plus strand (G>A on the coding strand, the complement: NAGPA is on the minus strand). VCF-style: chr16-5031878-C-T. GRCh37 (hg19) VCF-style: chr16-5081879-C-T.
Identifiers: ClinVar variation 3052559 (VCV003052559.2), dbSNP rs769141621, ClinGen allele CA7888794.

ClinVar aggregate classification (germline): Likely benign (0 of 4 stars; one submission).

Conditions:
NAGPA-related disorder. Also called: NAGPA-related condition.

Allele frequency attached by ClinVar (database versions not stated): gnomAD exomes 0.00005; ExAC 0.00007; gnomAD 0.00009; TOPMed 0.00016.
gnomAD v4.1: 92 of 1,614,084 alleles (0.0057%); highest among the groups gnomAD compares: Admixed American, 0.055%; 1 homozygote.

Submission:

PreventionGenetics, part of Exact Sciences
Classification: Likely benign for NAGPA-related condition. Last evaluated: 2019-08-14. Review status: no assertion criteria provided. Collection method: clinical testing. Allele origin: germline.
Comment: This variant is classified as likely benign based on ACMG/AMP sequence variant interpretation guidelines (Richards et al. 2015 PMID: 25741868, with internal and published modifications).